The following is an entry in ClinVar:

NM_016222.4(DDX41):c.1031A>G (p.Asp344Gly)

Gene: DDX41 (DEAD-box helicase 41; minus strand). Cytogenetic location: 5q35.3.
Variant type: single nucleotide variant.
Coding change: c.1031A>G on transcript NM_016222.4 (MANE Select); coding-DNA position 1031, A replaced by G.
Protein change: p.Asp344Gly; replaces aspartic acid 344 with glycine.
Molecular consequence: missense variant.
Genome position (GRCh38, 1-based): chr5:177,513,752, T>C on the plus strand (A>G on the coding strand, the complement: DDX41 is on the minus strand). VCF-style: chr5-177513752-T-C. GRCh37 (hg19) VCF-style: chr5-176940753-T-C.
Other names: c.653A>G, p.Asp218Gly (NM_001321732.2, NM_001321830.2); short protein forms D218G, D344G.
Identifiers: ClinVar variation 4869661 (VCV004869661.1).
Genomic context (GRCh38, chr5:177,513,752, plus strand): 5'-TAGGAGAAGATGGTACGGATGTCACCCTCGAAGCCCATGTCGATCATGCGGTCAGCCTCG[T>C]CCAGGGCCAGGTAGCGACAGATGTCTAGGCTGACCATCTTCTTCTGCAGCAAATCCATGA-3'
Protein context (NP_057306.2, residues 334-354): SLDICRYLAL[Asp344Gly]EADRMIDMGF

ClinVar aggregate classification (germline): Uncertain significance (1 of 4 stars; one submission).

Conditions:
Inborn genetic diseases. Identifiers: MedGen C0950123, MeSH D030342.

Submission:

Ambry Genetics
Classification: Uncertain significance for Inborn genetic diseases. Last evaluated: 2026-04-29. Review status: criteria provided, single submitter. Criteria: Ambry Variant Classification Scheme 2023. Collection method: clinical testing. Allele origin: germline.
Comment: The p.D344G variant (also known as c.1031A>G), located in coding exon 10 of the DDX41 gene, results from an A to G substitution at nucleotide position 1031. The aspartic acid at codon 344 is replaced by glycine, an amino acid with similar properties. This amino acid position is highly conserved in available vertebrate species. In addition, this alteration is predicted to be deleterious by in silico analysis. Based on the available evidence, the clinical significance of this variant remains unclear.